The following is an entry in ClinVar:

NM_000051.4(ATM):c.8292_8293del (p.Ser2764fs)

Genes: ATM (ATM serine/threonine kinase; plus strand), C11orf65 (chromosome 11 open reading frame 65; minus strand). Cytogenetic location: 11q22.3.
Variant type: Deletion.
Coding change: c.8292_8293del on transcript NM_000051.4 (MANE Select); coding-DNA positions 8292 to 8293, 2 bases deleted (TG; older notation c.8292_8293delTG).
Protein change: p.Ser2764fs; shifts the reading frame from serine 2764.
Molecular consequence: frameshift variant. On other transcripts: intron variant (2).
Genome position (GRCh38, 1-based): chr11:108,343,245-108,343,246, TG deleted; deleting any 2 consecutive bases within chr11:108,343,244-108,343,246 gives the same sequence; the c. name uses the placement nearest the transcript's 3' end. VCF-style (leftmost placement, unchanged base first): chr11-108343243-AGT-A. GRCh37 (hg19) VCF-style: chr11-108213970-AGT-A.
Other names: c.8292_8293delTG, p.Ser2764Argfs (NM_000051.3); c.8292_8293del, p.Ser2764fs (NM_001351834.2); c.641-34174_641-34173del (NM_001330368.2); c.695-7953_695-7952del (NM_001351110.2); short protein forms S2764fs.
Identifiers: ClinVar variation 245989 (VCV000245989.28), dbSNP rs879254036, ClinGen allele CA10584372.

ClinVar aggregate classification (germline): Pathogenic/Likely pathogenic. Review status: criteria provided, multiple submitters, no conflicts (2 of 4 stars). 9 submissions from 9 submitters: Pathogenic (7); Likely pathogenic (2). Last evaluated 2026-01-20.

Conditions:
Hereditary cancer-predisposing syndrome. Also called: Neoplastic Syndromes, Hereditary; Hereditary neoplastic syndrome; Tumor predisposition; Hereditary Cancer Syndrome. Identifiers: Orphanet 140162, MedGen C0027672, MeSH D009386, MONDO:0015356.
Familial cancer of breast. Also called: hereditary breast carcinoma; Hereditary breast cancer; BREAST CANCER, FAMILIAL. Identifiers: Orphanet 227535, MedGen C0346153, MONDO:0016419, OMIM 114480. Disease mechanism: loss of function.
Ataxia-telangiectasia syndrome (AT). Also called: Ataxia telangiectasia (A-T); Cerebello-oculocutaneous telangiectasia; Immunodeficiency with ataxia telangiectasia; LOUIS-BAR SYNDROME; AT, COMPLEMENTATION GROUP C; ATAXIA-TELANGIECTASIA, FRESNO VARIANT. Identifiers: Orphanet 100, MedGen C0004135, MONDO:0008840, OMIM 208900.

Submissions (9):

Labcorp Genetics (formerly Invitae), Labcorp
Classification: Pathogenic for Ataxia-telangiectasia syndrome. Last evaluated: 2026-01-20. Review status: criteria provided, single submitter. Criteria: Invitae Variant Classification Sherloc (09022015). Collection method: clinical testing. Allele origin: germline.
Comment: This sequence change creates a premature translational stop signal (p.Ser2764Argfs*4) in the ATM gene. It is expected to result in an absent or disrupted protein product. Loss-of-function variants in ATM are known to be pathogenic (PMID: 23807571, 25614872). This variant is present in population databases (no rsID available, gnomAD 0.002%). This premature translational stop signal has been observed in individual(s) with breast cancer (PMID: 35264596). ClinVar contains an entry for this variant (Variation ID: 245989). For these reasons, this variant has been classified as Pathogenic.

Dasa
Classification: Pathogenic. Last evaluated: 2026-01-14. Review status: criteria provided, single submitter. Criteria: DASA Assertion Criteria. Collection method: clinical testing. Allele origin: germline.
Comment: NM_000051.4(ATM):c.8292_8293del (p.Ser2764Argfs*4) introduces a premature termination codon predicted to result in loss of normal protein function. Loss-of-function is an established mechanism of disease for this gene. The affected residue or protein region has prior evidence supporting clinical relevance. This variant has been reported in individuals with related phenotype. This variant has been reported in individuals with related phenotype. The variant is present at low frequency in population datasets. Based on the available data, this variant is classified as pathogenic.

Color Diagnostics, LLC DBA Color Health
Classification: Pathogenic for Hereditary cancer-predisposing syndrome. Last evaluated: 2025-06-30. Review status: criteria provided, single submitter. Criteria: ACMG Guidelines, 2015. Collection method: clinical testing. Allele origin: germline.
Comment: This variant deletes 2 nucleotides in exon 57 of the ATM gene, creating a frameshift and premature translation stop signal. This variant is expected to result in an absent or non-functional protein product. This variant has been reported in individuals affected with breast cancer (PMID: 35264596, 38608781) and clinical features of Ataxia-Telangiectasia (DOI: 10.33545/26648350.2024.v6.i2a.76). This variant has been identified in 2/282764 chromosomes in the general population by the Genome Aggregation Database (gnomAD). Loss of ATM function is a known mechanism of disease. Based on the available evidence, this variant is classified as Pathogenic.

Ambry Genetics
Classification: Pathogenic for Hereditary cancer-predisposing syndrome. Last evaluated: 2024-08-05. Review status: criteria provided, single submitter. Criteria: Ambry Variant Classification Scheme 2023. Collection method: clinical testing. Allele origin: germline.
Comment: The c.8292_8293delTG pathogenic mutation, located in coding exon 56 of the ATM gene, results from a deletion of two nucleotides at nucleotide positions 8292 to 8293, causing a translational frameshift with a predicted alternate stop codon (p.S2764Rfs*4). This alteration is expected to result in loss of function by premature protein truncation or nonsense-mediated mRNA decay. As such, this alteration is interpreted as a disease-causing mutation.

Myriad Genetics, Inc.
Classification: Pathogenic for Familial cancer of breast. Last evaluated: 2024-02-01. Review status: criteria provided, single submitter. Criteria: Myriad Autosomal Dominant, Autosomal Recessive and X-Linked Classification Criteria (2023). Collection method: clinical testing. Allele origin: unknown.
Comment: This variant is considered pathogenic. This variant creates a frameshift predicted to result in premature protein truncation.

Baylor Genetics
Classification: Likely pathogenic for Familial cancer of breast. Last evaluated: 2023-10-30. Review status: criteria provided, single submitter. Criteria: ACMG Guidelines, 2015. Collection method: clinical testing. Allele origin: unknown.

GeneDx
Classification: Pathogenic. Last evaluated: 2023-06-09. Review status: criteria provided, single submitter. Criteria: GeneDx Variant Classification Process June 2021. Collection method: clinical testing. Allele origin: germline. Affected: yes.
Comment: Frameshift variant predicted to result in protein truncation or nonsense mediated decay in a gene for which loss-of-function is a known mechanism of disease; Truncating variants in this gene are considered pathogenic by a well-established clinical consortium and/or database; Observed in individuals with breast cancer or Ewing sarcoma (Guindalini et al., 2022; Morfouace et al., 2023); Not observed at significant frequency in large population cohorts (gnomAD); This variant is associated with the following publications: (PMID: 36470093, 34887416, 29922827, 35264596)

Sema4
Classification: Likely pathogenic for Hereditary cancer-predisposing syndrome. Last evaluated: 2021-11-10. Review status: criteria provided, single submitter. Criteria: Sema4 Curation Guidelines. Collection method: curation. Allele origin: germline.
Comment: To the best of our knowledge, the ATM c.8292_8293delTG (p.S2764RfsX4) variant has not been reported in individuals with ATM-related disease. This variant causes a frameshift at amino acid 2764 that results in premature termination 4 amino acids downstream. At this location, this is predicted to cause nonsense-mediated decay and result in an absent protein (loss of function). Loss of function variants in ATM are known to be pathogenic (PMID: 31050087). This variant was observed in 2/129112 chromosomes in the Non-Finnish European population according to the Genome Aggregation Database (PMID: 32461654). This variant has been reported in ClinVar (Variation ID: 245989). Based on the current evidence available, this variant is interpreted as likely pathogenic.

Mendelics
Classification: Pathogenic for Ataxia-telangiectasia syndrome. Last evaluated: 2018-07-02. Review status: criteria provided, single submitter. Criteria: Mendelics Assertion Criteria 2017. Collection method: clinical testing. Allele origin: unknown.

Literature cited by the submitters: PubMed 23807571 (cited by Labcorp Genetics (formerly Invitae), Labcorp); PubMed 25614872 (cited by Labcorp Genetics (formerly Invitae), Labcorp); PubMed 35264596 (cited by Labcorp Genetics (formerly Invitae), Labcorp and Color Diagnostics, LLC DBA Color Health); PubMed 38608781 (cited by Color Diagnostics, LLC DBA Color Health); PubMed 31050087 (cited by Sema4).